The following is an entry in ClinVar:

NM_017838.4(NHP2):c.160+10A>G

Gene: NHP2 (NHP2 ribonucleoprotein; minus strand). Cytogenetic location: 5q35.3.
Variant type: single nucleotide variant.
Coding change: c.160+10A>G on transcript NM_017838.4 (MANE Select); 10 bases into the intron after coding-DNA position 160, A replaced by G.
Molecular consequence: intron variant.
Genome position (GRCh38, 1-based): chr5:178,153,648, T>C on the plus strand (A>G on the coding strand, the complement: NHP2 is on the minus strand). VCF-style: chr5-178153648-T-C. GRCh37 (hg19) VCF-style: chr5-177580649-T-C.
Other names: c.160+10A>G (NM_001034833.2, NM_017838.3).
Identifiers: ClinVar variation 1092651 (VCV001092651.12), dbSNP rs376220034, ClinGen allele CA3589268.

ClinVar aggregate classification (germline): Likely benign. Review status: criteria provided, multiple submitters, no conflicts (2 of 4 stars). 3 submissions from 3 submitters: Likely benign (2). 1 of the submissions does not count toward it. Last evaluated 2025-10-18.

Conditions:
Dyskeratosis congenita. Identifiers: Orphanet 1775, MedGen C0265965, MONDO:0015780.
NHP2-related disorder. Also called: NHP2-related condition.

gnomAD v4.1: 109 of 1,613,784 alleles (0.0068%); highest among the groups gnomAD compares: Admixed American, 0.02%; no homozygotes.

Submissions (3):

Labcorp Genetics (formerly Invitae), Labcorp
Classification: Likely benign for Dyskeratosis congenita. Last evaluated: 2025-10-18. Review status: criteria provided, single submitter. Criteria: Invitae Variant Classification Sherloc (09022015). Collection method: clinical testing. Allele origin: germline.

Blueprint Genetics
Classification: Likely benign. Last evaluated: 2024-06-27. Review status: criteria provided, single submitter. Criteria: ACMG Guidelines, 2015. Collection method: clinical testing. Allele origin: germline.

PreventionGenetics, part of Exact Sciences
Classification: Likely benign for NHP2-related condition. Last evaluated: 2019-05-31. Review status: no assertion criteria provided. Collection method: clinical testing. Allele origin: germline. Not counted in ClinVar's aggregate classification.
Comment: This variant is classified as likely benign based on ACMG/AMP sequence variant interpretation guidelines (Richards et al. 2015 PMID: 25741868, with internal and published modifications).